The following is an entry in ClinVar:

ClinVar aggregate classification (germline): Pathogenic. Review status: criteria provided, multiple submitters, no conflicts (2 of 4 stars). 2 submissions from 2 submitters: Pathogenic (2). Last evaluated 2025-05-13.

Conditions:
Duchenne muscular dystrophy (DMD). Also called: MUSCULAR DYSTROPHY, PSEUDOHYPERTROPHIC PROGRESSIVE, DUCHENNE TYPE; Duchenne Muscular Dystrophy (DMD). Identifiers: Orphanet 98896, MedGen C0013264, MONDO:0010679, OMIM 310200.

Submissions (4):

Labcorp Genetics (formerly Invitae), Labcorp
Classification: Pathogenic for Duchenne muscular dystrophy. Last evaluated: 2025-05-13. Review status: criteria provided, single submitter. Criteria: Invitae Variant Classification Sherloc (09022015). Collection method: clinical testing. Allele origin: germline.
Comment: This sequence change creates a premature translational stop signal (p.Glu794*) in the DMD gene. It is expected to result in an absent or disrupted protein product. Loss-of-function variants in DMD are known to be pathogenic (PMID: 16770791, 25007885). This variant is not present in population databases (gnomAD no frequency). This premature translational stop signal has been observed in individual(s) with Duchenne muscular dystrophy (PMID: 19959795). ClinVar contains an entry for this variant (Variation ID: 1322510). Algorithms developed to predict the effect of sequence changes on RNA splicing suggest that this variant may disrupt the consensus splice site. For these reasons, this variant has been classified as Pathogenic.

Athena Diagnostics
Classification: Pathogenic. Last evaluated: 2024-12-31. Review status: criteria provided, single submitter. Criteria: Athena Diagnostics Criteria. Collection method: clinical testing. Allele origin: unknown.
Comment: This variant is expected to result in the loss of a functional protein. This variant has not been reported in large, multi-ethnic general populations. This variant has been identified in at least one individual with Duchenne muscular dystrophy.

Dr. Peter K. Rogan Lab, Western University
No classification provided (evidence only). Condition: Thyroid cancer, nonmedullary, 1. Review status: no classification provided. Collection method: in vitro. Allele origin: not applicable. Functional consequence: retained intron. Not counted in ClinVar's aggregate classification.

Dr. Peter K. Rogan Lab, Western University
No classification provided (evidence only). Condition: Nonpapillary renal cell carcinoma. Review status: no classification provided. Collection method: in vitro. Allele origin: not applicable. Functional consequence: retained intron. Not counted in ClinVar's aggregate classification.

Literature cited by the submitters: PubMed 16770791 (cited by Labcorp Genetics (formerly Invitae), Labcorp); PubMed 25007885 (cited by Labcorp Genetics (formerly Invitae), Labcorp); PubMed 19959795 (cited by Labcorp Genetics (formerly Invitae), Labcorp and Athena Diagnostics); PubMed 32813700 (cited by Athena Diagnostics); PubMed 39182149 (cited by Athena Diagnostics).

NM_004006.3(DMD):c.2380G>T (p.Glu794Ter)

Gene: DMD (dystrophin; minus strand). Cytogenetic location: Xp21.1.
Variant type: single nucleotide variant.
Coding change: c.2380G>T on transcript NM_004006.3 (MANE Select); coding-DNA position 2380, G replaced by T.
Protein change: p.Glu794Ter; replaces glutamic acid 794 with a stop codon.
Molecular consequence: nonsense.
Genome position (GRCh38, 1-based): chrX:32,501,755, C>A on the plus strand (G>T on the coding strand, the complement: DMD is on the minus strand). VCF-style: chrX-32501755-C-A. GRCh37 (hg19) VCF-style: chrX-32519872-C-A.
Other names: c.2356G>T, p.Glu786Ter (NM_000109.4); c.2368G>T, p.Glu790Ter (NM_004009.3); c.2011G>T, p.Glu671Ter (NM_004010.3); short protein forms E671*, E786*, E790*, E794*.
Identifiers: ClinVar variation 1322510 (VCV001322510.8), dbSNP rs398123886, ClinGen allele CA412673539.